The following is an entry in ClinVar:

NM_000520.6(HEXA):c.1421+1G>T

Gene: HEXA (hexosaminidase subunit alpha; minus strand). Cytogenetic location: 15q23.
Variant type: single nucleotide variant.
Coding change: c.1421+1G>T on transcript NM_000520.6 (MANE Select); the canonical splice donor site of the intron after coding-DNA position 1421, G replaced by T.
Molecular consequence: splice donor variant.
Genome position (GRCh38, 1-based): chr15:72,346,234, C>A on the plus strand (G>T on the coding strand, the complement: HEXA is on the minus strand). VCF-style: chr15-72346234-C-A. GRCh37 (hg19) VCF-style: chr15-72638575-C-A.
Other names: c.1421+1G>T (NM_000520.5); c.1454+1G>T (NM_001318825.2).
Identifiers: ClinVar variation 554686 (VCV000554686.13), dbSNP rs147324677, ClinGen allele CA393059007.

ClinVar aggregate classification (germline): Pathogenic/Likely pathogenic. Review status: criteria provided, multiple submitters, no conflicts (2 of 4 stars). 4 submissions from 4 submitters: Pathogenic (2); Likely pathogenic (1). 1 of the submissions does not count toward it. Last evaluated 2025-11-17.

Conditions:
Tay-Sachs disease (TSD). Also called: HEXA Disorders; HEXA DEFICIENCY; Hexosaminidase A Deficiency; GM2 gangliosidosis, type 1; Hexosaminidase alpha-subunit deficiency (variant B); Sphingolipidosis, Tay-Sachs. Identifiers: Orphanet 845, MedGen C0039373, MONDO:0010100, OMIM 272800.

Submissions (4):

Natera, Inc.
Classification: Pathogenic for Tay-Sachs disease. Last evaluated: 2025-11-17. Review status: criteria provided, single submitter. Criteria: Natera Variant Classification Schema (03/2026). Collection method: clinical testing. Allele origin: germline.
Comment: The c.1421+1G>T variant in HEXA is a canonical splice donor site variant predicted to affect pre-mRNA splicing, which may result in an abnormal transcript and altered protein product. This variant is expected to result in nonsense mediated decay, truncation, or a dysfunctional protein product. This variant is rare in the general population with a frequency below the threshold expected for the associated phenotype(s). Another variant at this same site results in an alteration predicted to cause a similar molecular effect has been observed in individual(s) with the associated phenotype. Given the available evidence, this variant is classified as Pathogenic.

Labcorp Genetics (formerly Invitae), Labcorp
Classification: Pathogenic for Tay-Sachs disease. Last evaluated: 2025-07-06. Review status: criteria provided, single submitter. Criteria: Invitae Variant Classification Sherloc (09022015). Collection method: clinical testing. Allele origin: germline.
Comment: This sequence change affects a donor splice site in intron 12 of the HEXA gene. It is expected to disrupt RNA splicing. Variants that disrupt the donor or acceptor splice site typically lead to a loss of protein function (PMID: 16199547), and loss-of-function variants in HEXA are known to be pathogenic (PMID: 1833974, 8490625). This variant is not present in population databases (gnomAD no frequency). Disruption of this splice site has been observed in individual(s) with Tay-Sachs disease (PMID: 9222766, 16088929, 30506202). It is commonly reported in individuals of Ashkenazi Jewish ancestry (PMID: 16088929, 30506202). ClinVar contains an entry for this variant (Variation ID: 554686). Algorithms developed to predict the effect of sequence changes on RNA splicing suggest that this variant may disrupt the consensus splice site. For these reasons, this variant has been classified as Pathogenic.

Women's Health and Genetics/Laboratory Corporation of America, LabCorp
Classification: Likely pathogenic for Tay-Sachs disease. Last evaluated: 2023-08-15. Review status: criteria provided, single submitter. Criteria: LabCorp Variant Classification Summary - May 2015. Collection method: clinical testing. Allele origin: germline.
Comment: Variant summary: HEXA c.1421+1G>T is located in a canonical splice-site and is predicted to affect mRNA splicing resulting in a significantly altered protein due to either exon skipping, shortening, or inclusion of intronic material. Several computational tools predict a significant impact on normal splicing: Four predict the variant abolishes a 5' splicing donor site. However, these predictions have yet to be confirmed by functional studies. The variant was absent in 250594 control chromosomes. To our knowledge, no occurrence of c.1421+1G>T in individuals affected with Tay-Sachs Disease and no experimental evidence demonstrating its impact on protein function have been reported. Two submitters have cited clinical-significance assessments for this variant to ClinVar after 2014. All submitters classified the variant as pathogenic/likely pathogenic. Based on the evidence outlined above, the variant was classified as likely pathogenic.

Counsyl
Classification: Likely pathogenic for Tay-Sachs disease. Last evaluated: 2017-11-06. Review status: no assertion criteria provided. Collection method: clinical testing. Allele origin: unknown. Not counted in ClinVar's aggregate classification.

Literature cited by the submitters: PubMed 16199547 (cited by Labcorp Genetics (formerly Invitae), Labcorp); PubMed 1833974 (cited by Labcorp Genetics (formerly Invitae), Labcorp); PubMed 8490625 (cited by Labcorp Genetics (formerly Invitae), Labcorp); PubMed 9222766 (cited by Labcorp Genetics (formerly Invitae), Labcorp); PubMed 16088929 (cited by Labcorp Genetics (formerly Invitae), Labcorp); PubMed 30506202 (cited by Labcorp Genetics (formerly Invitae), Labcorp).